The following is an entry in ClinVar:

ClinVar aggregate classification (germline): Likely benign. Review status: criteria provided, multiple submitters, no conflicts (2 of 4 stars). 3 submissions from 3 submitters: Likely benign (3). Last evaluated 2024-11-23.

Conditions:
Inborn genetic diseases. Identifiers: MedGen C0950123, MeSH D030342.

Allele frequency attached by ClinVar (database versions not stated): ExAC 0.00001; gnomAD 0.00001; gnomAD exomes 0.00001 and 0.00002; TOPMed 0.00002.
gnomAD v4.1: 35 of 1,610,856 alleles (0.0022%); highest among the groups gnomAD compares: South Asian, 0.0044%; no homozygotes.

Submissions (3):

Ambry Genetics
Classification: Likely benign for Inborn genetic diseases. Last evaluated: 2024-11-23. Review status: criteria provided, single submitter. Criteria: Ambry Variant Classification Scheme 2023. Collection method: clinical testing. Allele origin: germline.

Labcorp Genetics (formerly Invitae), Labcorp
Classification: Likely benign. Last evaluated: 2024-08-23. Review status: criteria provided, single submitter. Criteria: Invitae Variant Classification Sherloc (09022015). Collection method: clinical testing. Allele origin: germline.

CeGaT Center for Human Genetics Tuebingen
Classification: Likely benign. Last evaluated: 2022-06-01. Review status: criteria provided, single submitter. Criteria: CeGaT Center For Human Genetics Tuebingen Variant Classification Criteria Version 2. Collection method: clinical testing. Allele origin: germline. Affected: yes. Observed: 1 variant allele.
Comment: KDM1A: BP4

NM_001009999.3(KDM1A):c.564C>T (p.Asp188=)

Gene: KDM1A (lysine demethylase 1A; plus strand). Cytogenetic location: 1p36.12.
Variant type: single nucleotide variant.
Coding change: c.564C>T on transcript NM_001009999.3 (MANE Select); coding-DNA position 564, C replaced by T.
Protein change: p.Asp188=; no amino-acid change (aspartic acid 188 retained).
Molecular consequence: synonymous variant. On other transcripts: intron variant (3).
Genome position (GRCh38, 1-based): chr1:23,044,473, C>T. VCF-style: chr1-23044473-C-T. GRCh37 (hg19) VCF-style: chr1-23370966-C-T.
Other names: c.564C>T (NM_001009999.2); c.564C>T, p.Asp188= (NM_001410762.1); c.518-5914C>T (NM_001363654.2, NM_001410763.1, NM_015013.4).
Identifiers: ClinVar variation 1694500 (VCV001694500.37), dbSNP rs757289573, ClinGen allele CA679489.
Genomic context (GRCh38, chr1:23,044,473, plus strand): 5'-CTTTCCTTCCACAGGGCAAGCAGGAGGACTTCAAGACGACAGTTCTGGAGGGTATGGAGA[C>T]GGCCAAGCATCAGGTGAGGGTGGCATTAGATGCTTGCCACTTAGTAGCAAGAGCCGCCAA-3'
Protein context (NP_001009999.1, residues 178-198): LQDDSSGGYG[Asp188=]GQASGVEGAA